The following is an entry in ClinVar:

ClinVar aggregate classification (germline): Likely pathogenic (1 of 4 stars; one submission).

Conditions:
Dilated cardiomyopathy 1G (CMD1G). Identifiers: Orphanet 154, MedGen C1858763, MONDO:0011400, OMIM 604145.
Autosomal recessive limb-girdle muscular dystrophy type 2J (LGMDR10). Also called: Limb-girdle muscular dystrophy, type 2J; MUSCULAR DYSTROPHY, LIMB-GIRDLE, AUTOSOMAL RECESSIVE 10. Identifiers: Orphanet 140922, MedGen C1837342, MONDO:0012127, OMIM 608807.

Submission:

Labcorp Genetics (formerly Invitae), Labcorp
Classification: Likely pathogenic for Dilated cardiomyopathy 1G; Autosomal recessive limb-girdle muscular dystrophy type 2J. Last evaluated: 2025-01-27. Review status: criteria provided, single submitter. Criteria: Invitae Variant Classification Sherloc (09022015). Collection method: clinical testing. Allele origin: germline.
Comment: This sequence change creates a premature translational stop signal (p.Lys29993Asnfs*2) in the TTN gene. While this is not anticipated to result in nonsense mediated decay, it is expected to create a truncated TTN protein. This variant is not present in population databases (gnomAD no frequency). This variant has not been reported in the literature in individuals affected with TTN-related conditions. ClinVar contains an entry for this variant (Variation ID: 2046366). This variant is located in the A band of TTN (PMID: 25589632). Truncating variants in this region are significantly overrepresented in patients affected with dilated cardiomyopathy (PMID: 25589632). Truncating variants in this region have also been reported in individuals affected with autosomal recessive centronuclear myopathy (PMID: 23975875). In summary, the currently available evidence indicates that the variant is pathogenic, but additional data are needed to prove that conclusively. Therefore, this variant has been classified as Likely Pathogenic.

Literature cited by the submitters: PubMed 25589632; PubMed 23975875.

NM_001267550.2(TTN):c.89979del (p.Lys29993fs)

Genes: TTN (titin; minus strand), TTN-AS1 (TTN antisense RNA 1; plus strand). Cytogenetic location: 2q31.2.
Variant type: Deletion.
Coding change: c.89979del on transcript NM_001267550.2 (MANE Select); coding-DNA position 89979, one base deleted (G; older notation c.89979delG).
Protein change: p.Lys29993fs; shifts the reading frame from lysine 29993.
Molecular consequence: frameshift variant.
Genome position (GRCh38, 1-based): chr2:178,552,921, C deleted on the plus strand (G on the coding strand, the reverse complement: TTN is on the minus strand). VCF-style (leftmost placement, unchanged base first): chr2-178552920-GC-G. GRCh37 (hg19) VCF-style: chr2-179417647-GC-G.
Other names: c.85056del, p.Lys28352fs (NM_001256850.1); c.62784del, p.Lys20928fs (NM_003319.4); c.82275del, p.Lys27425fs (NM_133378.4); c.63159del, p.Lys21053fs (NM_133432.3); c.63360del, p.Lys21120fs (NM_133437.4); short protein forms K20928fs, K28352fs, K21053fs, K27425fs, K21120fs, K29993fs.
Identifiers: ClinVar variation 2046366 (VCV002046366.4), dbSNP rs1699979419, ClinGen allele CA1039704703.